The following is an entry in ClinVar:

NM_032830.3(UTP4):c.910+6T>A

Gene: UTP4 (UTP4 small subunit processome component). Cytogenetic location: 16q22.1.
Variant type: single nucleotide variant.
Coding change: c.910+6T>A on transcript NM_032830.3 (MANE Select); 6 bases into the intron after coding-DNA position 910, T replaced by A.
Molecular consequence: intron variant.
Genome position (GRCh38, 1-based): chr16:69,150,714, T>A. VCF-style: chr16-69150714-T-A. GRCh37 (hg19) VCF-style: chr16-69184617-T-A.
Other names: c.661+6T>A (NM_001318391.2).
Identifiers: ClinVar variation 4984394 (VCV004984394.1).

ClinVar aggregate classification (germline): Uncertain significance (1 of 4 stars; one submission).

Conditions:
UTP4-related disorder. Also called: UTP4-related condition.

gnomAD v4.1: 30 of 1,614,038 alleles (0.0019%); highest among the groups gnomAD compares: South Asian, 0.032%; no homozygotes.

Submission:

PreventionGenetics, part of Exact Sciences
Classification: Uncertain significance for UTP4-related condition. Last evaluated: 2025-04-11. Review status: criteria provided, single submitter. Criteria: ACMG Guidelines, 2015. Collection method: clinical testing. Allele origin: germline.
Comment: The UTP4 c.910+6T>A variant is predicted to interfere with splicing. To our knowledge, this variant has not been reported in the literature. This variant is reported in 0.026% of alleles in individuals of South Asian descent in gnomAD. This variant is predicted to alter splicing based on available splicing prediction programs (SpliceAI, Jaganathan et al. 2019. PubMed ID: 30661751). However, the use of computer prediction programs is not equivalent to functional evidence. At this time, the clinical significance of this variant is uncertain due to the absence of conclusive functional and genetic evidence.